The following is an entry in ClinVar:

ClinVar aggregate classification (germline): Conflicting classifications of pathogenicity. Review status: criteria provided, conflicting classifications (1 of 4 stars). 3 submissions from 3 submitters: Uncertain significance (2); Likely benign (1). Last evaluated 2026-01-26.

Conditions:
Hereditary cancer-predisposing syndrome. Also called: Hereditary neoplastic syndrome; Tumor predisposition; Neoplastic Syndromes, Hereditary; Hereditary Cancer Syndrome. Identifiers: Orphanet 140162, MedGen C0027672, MeSH D009386, MONDO:0015356.
Cardiovascular phenotype. Identifiers: MedGen CN230736.
Neurofibromatosis, type 1 (NF1). Also called: Neurofibromatosis, type I; VON RECKLINGHAUSEN DISEASE; Peripheral type neurofibromatosis; NEUROFIBROMATOSIS, TYPE I, SOMATIC. Identifiers: Orphanet 636, MedGen C0027831, MONDO:0018975, OMIM 162200. Disease mechanism: loss of function.

Allele frequency attached by ClinVar (database versions not stated): gnomAD exomes below 0.00001; TOPMed 0.00001.
gnomAD v4.1: 6 of 1,613,892 alleles (0.00037%); highest among the groups gnomAD compares: Non-Finnish European, 0.00051%; no homozygotes.

Submissions (3):

Labcorp Genetics (formerly Invitae), Labcorp
Classification: Likely benign for Neurofibromatosis, type 1. Last evaluated: 2026-01-26. Review status: criteria provided, single submitter. Criteria: Invitae Variant Classification Sherloc (09022015). Collection method: clinical testing. Allele origin: germline.

Ambry Genetics
Classification: Uncertain significance for Cardiovascular phenotype; Hereditary cancer-predisposing syndrome. Last evaluated: 2024-08-17. Review status: criteria provided, single submitter. Criteria: Ambry Variant Classification Scheme 2023. Collection method: clinical testing. Allele origin: germline.
Comment: The p.P1412R variant (also known as c.4235C>G), located in coding exon 31 of the NF1 gene, results from a C to G substitution at nucleotide position 4235. The proline at codon 1412 is replaced by arginine, an amino acid with dissimilar properties. In one study, this alteration was identified in a cohort of individuals with a clinical diagnosis of NF1. The alteration was found to be associated with mean fluorescence readings indicative of GTPase-activating protein-related domain (GRD) activity values comparable with those associated with wild-type, which the authors suggest is probably not deleterious to NF1-GRD function (Thomas L et al. Hum Mutat, 2012 Dec;33:1687-96). This amino acid position is highly conserved in available vertebrate species. In addition, the in silico prediction for this alteration is inconclusive. Since supporting evidence is limited at this time, the clinical significance of this alteration remains unclear.

Institute for Biomarker Research, Medical Diagnostic Laboratories, L.L.C.
Classification: Uncertain significance for Hereditary cancer-predisposing syndrome. Last evaluated: 2024-04-09. Review status: criteria provided, single submitter. Criteria: ACMG Guidelines, 2015. Collection method: clinical testing. Allele origin: germline.

Literature cited by the submitters: PubMed 22807134 (cited by Ambry Genetics).

NM_001042492.3(NF1):c.4298C>G (p.Pro1433Arg)

Gene: NF1 (neurofibromin 1; plus strand). Cytogenetic location: 17q11.2.
Variant type: single nucleotide variant.
Coding change: c.4298C>G on transcript NM_001042492.3 (MANE Select); coding-DNA position 4298, C replaced by G.
Protein change: p.Pro1433Arg; replaces proline 1433 with arginine.
Molecular consequence: missense variant.
Genome position (GRCh38, 1-based): chr17:31,258,468, C>G. VCF-style: chr17-31258468-C-G. GRCh37 (hg19) VCF-style: chr17-29585486-C-G.
Other names: c.4235C>G, p.Pro1412Arg (NM_000267.4); short protein forms P1412R, P1433R.
Identifiers: ClinVar variation 856126 (VCV000856126.11), dbSNP rs1310048288, ClinGen allele CA398998059.
Genomic context (GRCh38, chr17:31,258,468, plus strand): 5'-TTATCAATCCTGCCATTGTCTCACCGTATGAAGCAGGGATTTTAGATAAAAAGCCACCAC[C>G]TAGAATCGAAAGGGGCTTGAAGTTAATGTCAAAGGTGAATTATTTTGATAATCTAGCTAT-3'
Protein context (NP_001035957.1, residues 1423-1443): EAGILDKKPP[Pro1433Arg]RIERGLKLMS